The following is an entry in ClinVar:

ClinVar aggregate classification (germline): Uncertain significance (1 of 4 stars; one submission).

Conditions:
Hereditary breast ovarian cancer syndrome. Also called: Hereditary breast and ovarian cancer; BRCA1- and BRCA2-Associated Hereditary Breast and Ovarian Cancer; Hereditary breast and ovarian cancer syndrome; Breast and ovarian cancer; Hereditary breast and ovarian cancer syndrome (HBOC); Hereditary breast and/or ovarian cancer syndrome. Identifiers: Orphanet 145, MedGen C0677776, MeSH D061325, MONDO:0003582. Disease mechanism: loss of function.

Submission:

Labcorp Genetics (formerly Invitae), Labcorp
Classification: Uncertain significance for Hereditary breast ovarian cancer syndrome. Last evaluated: 2023-01-16. Review status: criteria provided, single submitter. Criteria: Invitae Variant Classification Sherloc (09022015). Collection method: clinical testing. Allele origin: germline.
Comment: This sequence change replaces proline, which is neutral and non-polar, with leucine, which is neutral and non-polar, at codon 1575 of the BRCA1 protein (p.Pro1575Leu). This variant is not present in population databases (gnomAD no frequency). This variant has not been reported in the literature in individuals affected with BRCA1-related conditions. Advanced modeling of protein sequence and biophysical properties (such as structural, functional, and spatial information, amino acid conservation, physicochemical variation, residue mobility, and thermodynamic stability) performed at Invitae indicates that this missense variant is not expected to disrupt BRCA1 protein function. In summary, the available evidence is currently insufficient to determine the role of this variant in disease. Therefore, it has been classified as a Variant of Uncertain Significance.

NM_007294.4(BRCA1):c.4724C>T (p.Pro1575Leu)

Gene: BRCA1 (BRCA1 DNA repair associated; minus strand). Cytogenetic location: 17q21.31.
Variant type: single nucleotide variant.
Coding change: c.4724C>T on transcript NM_007294.4 (MANE Select); coding-DNA position 4724, C replaced by T.
Protein change: p.Pro1575Leu; replaces proline 1575 with leucine.
Molecular consequence: missense variant. On other transcripts: intron variant (1).
Genome position (GRCh38, 1-based): chr17:43,071,190, G>A on the plus strand (C>T on the coding strand, the complement: BRCA1 is on the minus strand). VCF-style: chr17-43071190-G-A. GRCh37 (hg19) VCF-style: chr17-41223207-G-A.
Other names: c.4511C>T, p.Pro1504Leu (NM_001407897.1, NM_001407898.1, NM_001407899.1 and 12 more transcripts); c.4721C>T, p.Pro1574Leu (NM_001407622.1, NM_001407623.1, NM_001407624.1 and 17 more transcripts); c.4718C>T, p.Pro1573Leu (NM_001407627.1, NM_001407629.1, NM_001407628.1 and 14 more transcripts); c.4577C>T, p.Pro1526Leu (NM_001407848.1, NM_001407849.1, NM_001407850.1 and 12 more transcripts); c.4724C>T, p.Pro1575Leu (NM_001407854.1, NM_001407593.1, NM_001407594.1 and 8 more transcripts); c.4523C>T, p.Pro1508Leu (NM_001407862.1); c.4598C>T, p.Pro1533Leu (NM_001407863.1, NM_001407939.1, NM_001407940.1 and 11 more transcripts); c.4517C>T, p.Pro1506Leu (NM_001407874.1, NM_001407875.1); and 71 more; short protein forms P1446L, P1447L, P1487L, P1504L, P1527L, P1528L, P1555L, P295L.
Identifiers: ClinVar variation 2816372 (VCV002816372.3), dbSNP rs80357052, ClinGen allele CA10592057.